The following is an entry in ClinVar:

NM_016507.4(CDK12):c.3994C>G (p.Pro1332Ala)

Gene: CDK12 (cyclin dependent kinase 12; plus strand). Cytogenetic location: 17q12.
Variant type: single nucleotide variant.
Coding change: c.3994C>G on transcript NM_016507.4 (MANE Select); coding-DNA position 3994, C replaced by G.
Protein change: p.Pro1332Ala; replaces proline 1332 with alanine.
Molecular consequence: missense variant.
Genome position (GRCh38, 1-based): chr17:39,530,837, C>G. VCF-style: chr17-39530837-C-G. GRCh37 (hg19) VCF-style: chr17-37687090-C-G.
Other names: c.3967C>G, p.Pro1323Ala (NM_015083.4); short protein forms P1332A, P1323A.
Identifiers: ClinVar variation 3489353 (VCV003489353.1).

ClinVar aggregate classification (germline): Uncertain significance (1 of 4 stars; one submission).

Submission:

Ambry Genetics
Classification: Uncertain significance. Last evaluated: 2024-12-04. Review status: criteria provided, single submitter. Criteria: Ambry Variant Classification Scheme 2023. Collection method: clinical testing. Allele origin: germline.
Comment: The p.P1332A variant (also known as c.3994C>G), located in coding exon 14 of the CDK12 gene, results from a C to G substitution at nucleotide position 3994. The proline at codon 1332 is replaced by alanine, an amino acid with highly similar properties. This amino acid position is conserved. In addition, this alteration is predicted to be tolerated by in silico analysis. Based on the available evidence, the clinical significance of this variant remains unclear.